The following is an entry in ClinVar:

NM_000393.5(COL5A2):c.3373G>A (p.Gly1125Arg)

Gene: COL5A2 (collagen type V alpha 2 chain; minus strand). Cytogenetic location: 2q32.2.
Variant type: single nucleotide variant.
Coding change: c.3373G>A on transcript NM_000393.5 (MANE Select); coding-DNA position 3373, G replaced by A.
Protein change: p.Gly1125Arg; replaces glycine 1125 with arginine.
Molecular consequence: missense variant.
Genome position (GRCh38, 1-based): chr2:189,043,249, C>T on the plus strand (G>A on the coding strand, the complement: COL5A2 is on the minus strand). VCF-style: chr2-189043249-C-T. GRCh37 (hg19) VCF-style: chr2-189907975-C-T.
Other names: p.(Gly1125Arg); short protein forms G1125R.
Identifiers: ClinVar variation 382848 (VCV000382848.16), dbSNP rs151187317, ClinGen allele CA2022009.

ClinVar aggregate classification (germline): Conflicting classifications of pathogenicity. Review status: criteria provided, conflicting classifications (1 of 4 stars). 6 submissions from 6 submitters: Likely pathogenic (1); Uncertain significance (5). Last evaluated 2025-06-24.

Conditions:
Familial thoracic aortic aneurysm and aortic dissection (TAAD). Also called: Thoracic aortic aneurysms and dissections. Identifiers: Orphanet 91387, MedGen C4707243, MONDO:0019625.
Ehlers-Danlos syndrome, classic type, 2 (EDSCL2). Also called: Ehlers-Danlos syndrome type 2 (formerly); Ehlers-Danlos Syndrome, Classic Type, COL5A2-Related; Ehlers-Danlos syndrome, type 2. Identifiers: Orphanet 287, Orphanet 90318, MedGen C0268336, MONDO:0019568, OMIM 130010.
Ehlers-Danlos syndrome, classic type, 1 (EDSCL1). Also called: EDS I; Ehlers-Danlos Syndrome, Classic Type, COL5A1-Related; EHLERS-DANLOS SYNDROME, GRAVIS TYPE; EHLERS-DANLOS SYNDROME, SEVERE CLASSIC TYPE; Ehlers-Danlos syndrome, type 1. Identifiers: MedGen C0268335, MONDO:0019567, OMIM 130000.

Allele frequency attached by ClinVar (database versions not stated): gnomAD exomes 0.00003 and 0.00005; ExAC 0.00003; ESP Exome Variant Server 0.00008.
gnomAD v4.1: 75 of 1,611,530 alleles (0.0047%); highest among the groups gnomAD compares: Non-Finnish European, 0.0063%; no homozygotes.

Submissions (6):

Women's Health and Genetics/Laboratory Corporation of America, LabCorp
Classification: Uncertain significance. Last evaluated: 2025-06-24. Review status: criteria provided, single submitter. Criteria: LabCorp Variant Classification Summary - May 2015. Collection method: clinical testing. Allele origin: germline.
Comment: Variant summary: COL5A2 c.3373G>A (p.Gly1125Arg) results in a non-conservative amino acid change in the encoded protein sequence. Algorithms developed to predict the effect of missense changes on protein structure and function all suggest that this variant is likely to be disruptive. The variant allele was found at a frequency of 2.8e-05 in 250906 control chromosomes (gnomAD). The available data on variant occurrences in the general population are insufficient to allow any conclusion about variant significance. c.3373G>A has been observed in individuals affected with Chiari Malformation Type 1 or early sudden unexplained death (Salfati_2019, Urbizu_2021). These reports do not provide unequivocal conclusions about association of the variant with Ehlers-Danlos syndrome, classic type, 2. To our knowledge, no experimental evidence demonstrating an impact on protein function has been reported. The following publications have been ascertained in the context of this evaluation (PMID: 31847883, 33974636). ClinVar contains an entry for this variant (Variation ID: 382848). Based on the evidence outlined above, the variant was classified as uncertain significance.

Labcorp Genetics (formerly Invitae), Labcorp
Classification: Uncertain significance for Ehlers-Danlos syndrome, classic type, 1. Last evaluated: 2025-01-20. Review status: criteria provided, single submitter. Criteria: Invitae Variant Classification Sherloc (09022015). Collection method: clinical testing. Allele origin: germline.
Comment: This sequence change replaces glycine, which is neutral and non-polar, with arginine, which is basic and polar, at codon 1125 of the COL5A2 protein (p.Gly1125Arg). This variant is present in population databases (rs151187317, gnomAD 0.006%). This variant has not been reported in the literature in individuals affected with COL5A2-related conditions. ClinVar contains an entry for this variant (Variation ID: 382848). Invitae Evidence Modeling of protein sequence and biophysical properties (such as structural, functional, and spatial information, amino acid conservation, physicochemical variation, residue mobility, and thermodynamic stability) indicates that this missense variant is expected to disrupt COL5A2 protein function with a positive predictive value of 80%. In summary, the available evidence is currently insufficient to determine the role of this variant in disease. Therefore, it has been classified as a Variant of Uncertain Significance.

Ambry Genetics
Classification: Uncertain significance for Familial thoracic aortic aneurysm and aortic dissection. Last evaluated: 2024-10-08. Review status: criteria provided, single submitter. Criteria: Ambry Variant Classification Scheme 2023. Collection method: clinical testing. Allele origin: germline.
Comment: The p.G1125R variant (also known as c.3373G>A), located in coding exon 48 of the COL5A2 gene, results from a G to A substitution at nucleotide position 3373. The glycine at codon 1125 is replaced by arginine, an amino acid with dissimilar properties. This variant has been reported in a sudden death cohort and a Ehlers-Danlos syndrome (EDS) genetic testing cohort (Salfati EL et al. Genome Med, 2019 Dec;11:83; Wilson GN et al. Curr Issues Mol Biol, 2024 Mar;46:2620-2643). Internal structural analysis indicates that this alteration disrupts the characteristic G-X-Y motif of the triple helical domain in the COL5A2 protein and inserts a bulky side chain into a sterically-constrained region (Bella J et al.Science.1994;266:75-81; Hohenester E et al.Proc. Natl.Acad. Sci.U.S.A.2008;105:18273-7; Ambry internal data). Glycine substitutions in the triple helical domain of COL5A2 have been reported in association with classic Ehlers-Danlos syndrome (cEDS), but the number of affected individuals is limited and several other COL5A2 glycine substitutions in the triple helical domain (e.g., p.G951E and p.G831A) are too common for disease in population databases (Symoens S et al.Hum. Mutat., 2012 Oct;33:1485-93; Ritelli M et al.Orphanet J Rare Dis.2013 Apr;8:58).This amino acid position is highly conserved in available vertebrate species. In addition, this alteration is predicted to be deleterious by in silico analysis. Based on the available evidence, the clinical significance of this variant remains unclear.

Genetics and Molecular Pathology, SA Pathology
Classification: Uncertain significance for Ehlers-Danlos syndrome, classic type, 2. Last evaluated: 2023-03-14. Review status: criteria provided, single submitter. Criteria: ACMG Guidelines, 2015. Collection method: clinical testing. Allele origin: germline. Affected: yes.
Comment: The COL5A2 c.3373G>A variant is classified as VUS (PM1, PM2, PP3) The COL5A2 c.3373G>A variant is a single nucleotide change in exon 48/54 of the COL5A2 gene, which is predicted to change the amino acid glycine at position 1125 in the protein to arginine. This variant is absent from population databases (PM2). This variant resides in a Collagen triple helix repeat region made of the repetitious amino acid sequence glycine - X - Y, where glycine substitutions are a common cause of disease (PM1). Computational predictions support a deleterious effect on the gene or gene product (PP3). The variant has been reported in dbSNP (rs151187317) and has been reported as Conflicting interpretations of pathogenicity by other diagnostic laboratories (ClinVar Variation ID: 382848). This variant has been detected in HGMD with some degree of doubt over its disease association with a Chiari malformation(CM2115602).

GeneDx
Classification: Likely pathogenic. Last evaluated: 2022-07-15. Review status: criteria provided, single submitter. Criteria: GeneDx Variant Classification Process June 2021. Collection method: clinical testing. Allele origin: germline. Affected: yes.
Comment: Not observed at a significant frequency in large population cohorts (gnomAD); In silico analysis supports that this missense variant has a deleterious effect on protein structure/function; This variant is associated with the following publications: (PMID: 33974636)

AiLife Diagnostics
Classification: Uncertain significance. Last evaluated: 2021-12-30. Review status: criteria provided, single submitter. Criteria: ACMG Guidelines, 2015. Collection method: clinical testing. Allele origin: germline. Affected: yes. Observed: 1 variant allele.

Literature cited by the submitters: PubMed 31847883 (cited by Women's Health and Genetics/Laboratory Corporation of America, LabCorp and Ambry Genetics); PubMed 33974636 (cited by Women's Health and Genetics/Laboratory Corporation of America, LabCorp); PubMed 38534782 (cited by Ambry Genetics).